The following is an entry in ClinVar:

NM_020686.6(ABAT):c.950G>A (p.Arg317Lys)

Gene: ABAT (4-aminobutyrate aminotransferase; plus strand). Cytogenetic location: 16p13.2.
Variant type: single nucleotide variant.
Coding change: c.950G>A on transcript NM_020686.6 (MANE Select); coding-DNA position 950, G replaced by A.
Protein change: p.Arg317Lys; replaces arginine 317 with lysine.
Molecular consequence: missense variant.
Genome position (GRCh38, 1-based): chr16:8,772,913, G>A. VCF-style: chr16-8772913-G-A. GRCh37 (hg19) VCF-style: chr16-8866770-G-A.
Other names: c.950G>A (NM_020686.5); c.950G>A, p.Arg317Lys (NM_000663.5, NM_001127448.2, NM_001386600.1 and 6 more transcripts); c.911G>A, p.Arg304Lys (NM_001386605.1); c.887G>A, p.Arg296Lys (NM_001386606.1, NM_001386607.1); c.857G>A, p.Arg286Lys (NM_001386608.1); c.815G>A, p.Arg272Lys (NM_001386610.1, NM_001386611.1); c.752G>A, p.Arg251Lys (NM_001386612.1, NM_001386613.1); c.704G>A, p.Arg235Lys (NM_001386614.1); and 1 more; short protein forms R235K, R251K, R317K, R349K, R296K, R272K, R304K, R286K.
Identifiers: ClinVar variation 1360579 (VCV001360579.6), dbSNP rs768443644, ClinGen allele CA7893359.

ClinVar aggregate classification (germline): Uncertain significance. Review status: criteria provided, multiple submitters, no conflicts (2 of 4 stars). 2 submissions from 2 submitters: Uncertain significance (2). Last evaluated 2022-06-09.

Conditions:
Inborn genetic diseases. Identifiers: MedGen C0950123, MeSH D030342.
Gamma-aminobutyric acid transaminase deficiency (GABATD). Also called: GABA aminotransaminase deficiency; GABA transaminase deficiency; Gamma aminobutyrate transaminase deficiency; 4 alpha aminobutyrate transaminase deficiency. Identifiers: Orphanet 2066, MedGen C0342708, MONDO:0013166, OMIM 613163.

Allele frequency attached by ClinVar (database versions not stated): gnomAD exomes below 0.00001 and 0.00002; ExAC 0.00002; gnomAD 0.00005; TOPMed 0.00005.
gnomAD v4.1: 13 of 1,613,584 alleles (0.00081%); highest among the groups gnomAD compares: African/African-American, 0.016%; no homozygotes.

Submissions (2):

Ambry Genetics
Classification: Uncertain significance for Inborn genetic diseases. Last evaluated: 2022-06-09. Review status: criteria provided, single submitter. Criteria: Ambry Variant Classification Scheme 2023. Collection method: clinical testing. Allele origin: germline.

Labcorp Genetics (formerly Invitae), Labcorp
Classification: Uncertain significance for Gamma-aminobutyric acid transaminase deficiency. Last evaluated: 2021-09-01. Review status: criteria provided, single submitter. Criteria: Invitae Variant Classification Sherloc (09022015). Collection method: clinical testing. Allele origin: germline.
Comment: This sequence change replaces arginine with lysine at codon 317 of the ABAT protein (p.Arg317Lys). The arginine residue is moderately conserved and there is a small physicochemical difference between arginine and lysine. This variant is present in population databases (rs768443644, ExAC 0.03%). This variant has not been reported in the literature in individuals affected with ABAT-related conditions. Algorithms developed to predict the effect of missense changes on protein structure and function (SIFT, PolyPhen-2, Align-GVGD) all suggest that this variant is likely to be tolerated. In summary, the available evidence is currently insufficient to determine the role of this variant in disease. Therefore, it has been classified as a Variant of Uncertain Significance.